The following is an entry in ClinVar:

NM_000169.3(GLA):c.369+2T>A

Genes: RPL36A-HNRNPH2 (RPL36A-HNRNPH2 readthrough; plus strand), GLA (galactosidase alpha; minus strand). Cytogenetic location: Xq22.1.
Variant type: single nucleotide variant.
Coding change: c.369+2T>A on transcript NM_000169.3 (MANE Select); the canonical splice donor site of the intron after coding-DNA position 369, T replaced by A.
Molecular consequence: splice donor variant. On other transcripts: intron variant (2).
Genome position (GRCh38, 1-based): chrX:101,403,809, A>T on the plus strand (T>A on the coding strand, the complement: GLA is on the minus strand). VCF-style: chrX-101403809-A-T. GRCh37 (hg19) VCF-style: chrX-100658797-A-T.
Other names: c.301-8127A>T (NM_001199973.2); c.178-8127A>T (NM_001199974.2); c.492+2T>A (NM_001406747.1, NM_001406749.1); c.369+2T>A (NM_001406748.1).
Identifiers: ClinVar variation 1075172 (VCV001075172.9), dbSNP rs387906483, ClinGen allele CA413932681.
Genomic context (GRCh38, chrX:101,403,809, plus strand): 5'-AGCTTCTGTACAGAAGTGCTTACAGTCCTCTGAATGAACAAGAACATTATCTATAAACTC[A>T]CATAATTAGCTAGCTGGCGAATCCCATGAGGAAAGCGCTGAGGGTCTGCCTGAAGTCTGC-3'

ClinVar aggregate classification (germline): Pathogenic (1 of 4 stars; one submission).

Conditions:
Fabry disease. Also called: ALPHA-GALACTOSIDASE A DEFICIENCY; ANDERSON-FABRY DISEASE; CERAMIDE TRIHEXOSIDASE DEFICIENCY; GLA DEFICIENCY; HEREDITARY DYSTOPIC LIPIDOSIS; Fabry's disease. Identifiers: Orphanet 324, MedGen C0002986, MONDO:0010526, OMIM 301500, HP:0001071. Disease mechanism: Fabry disease is due to inactivating mutations in the X-linked GLA gene resulting in deficiency of the enzyme Alpha Galactosidase-A., loss of function.

Submission:

Labcorp Genetics (formerly Invitae), Labcorp
Classification: Pathogenic for Fabry disease. Last evaluated: 2020-06-15. Review status: criteria provided, single submitter. Criteria: Invitae Variant Classification Sherloc (09022015). Collection method: clinical testing. Allele origin: germline.
Comment: For these reasons, this variant has been classified as Pathogenic. Donor and acceptor splice site variants typically lead to a loss of protein function (PMID: 16199547), and loss-of-function variants in GLA are known to be pathogenic (PMID: 10666480, 12175777). Algorithms developed to predict the effect of sequence changes on RNA splicing suggest that this variant may disrupt the consensus splice site, but this prediction has not been confirmed by published transcriptional studies. Disruption of this splice site has been observed in individuals with Fabry disease (PMID: 7504405, Invitae). This variant is not present in population databases (ExAC no frequency). This sequence change affects a donor splice site in intron 2 of the GLA gene. It is expected to disrupt RNA splicing and likely results in an absent or disrupted protein product.

Literature cited by the submitters: PubMed 16199547; PubMed 10666480; PubMed 12175777; PubMed 7504405.